The following is an entry in ClinVar:

ClinVar aggregate classification (germline): Uncertain significance. Review status: criteria provided, multiple submitters, no conflicts (2 of 4 stars). 4 submissions from 4 submitters: Uncertain significance (3). 1 of the submissions does not count toward it. Last evaluated 2026-03-27.

Conditions:
POLG-related disorder. Also called: POLG-Related Spectrum Disorders; POLG-related condition; POLG-Related Disorders. Identifiers: MedGen C4763519.
Progressive sclerosing poliodystrophy (MTDPS4A). Also called: Mitochondrial DNA depletion syndrome 4A (Alpers type); Mitochondrial DNA Depletion Syndrome 4A; Alpers Syndrome; ALPERS DIFFUSE DEGENERATION OF CEREBRAL GRAY MATTER WITH HEPATIC CIRRHOSIS; Alpers-Huttenlocher Syndrome; ALPERS PROGRESSIVE INFANTILE POLIODYSTROPHY. Identifiers: Orphanet 726, MedGen C0205710, MONDO:0008758, OMIM 203700.

Allele frequency attached by ClinVar (database versions not stated): gnomAD 0.00001 and 0.00003; gnomAD exomes 0.00002; 1000 Genomes Project 30x 0.00016.
gnomAD v4.1: 32 of 1,576,324 alleles (0.002%); highest among the groups gnomAD compares: Non-Finnish European, 0.0027%; no homozygotes.

Submissions (4):

Women's Health and Genetics/Laboratory Corporation of America, LabCorp
Classification: Uncertain significance. Last evaluated: 2026-03-27. Review status: criteria provided, single submitter. Criteria: LabCorp Variant Classification Summary - May 2015. Collection method: clinical testing. Allele origin: germline.
Comment: Variant summary: POLG c.388C>T (p.Leu130Phe) results in a non-conservative amino acid change located in the DNA mitochondrial polymerase, exonuclease domain (IPR041336) of the encoded protein sequence. Algorithms developed to predict the effect of missense changes on protein structure and function all suggest that this variant is likely to be disruptive. The variant allele was found at a frequency of 1.6e-05 in 186602 control chromosomes. The available data on variant occurrences in the general population are insufficient to allow any conclusion about variant significance. To our knowledge, no occurrence of c.388C>T in individuals affected with POLG-related conditions and no experimental evidence demonstrating its impact on protein function have been reported. ClinVar contains an entry for this variant (Variation ID: 582802). Based on the evidence outlined above, the variant was classified as uncertain significance.

Labcorp Genetics (formerly Invitae), Labcorp
Classification: Uncertain significance for Progressive sclerosing poliodystrophy. Last evaluated: 2024-11-11. Review status: criteria provided, single submitter. Criteria: Invitae Variant Classification Sherloc (09022015). Collection method: clinical testing. Allele origin: germline.
Comment: This sequence change replaces leucine, which is neutral and non-polar, with phenylalanine, which is neutral and non-polar, at codon 130 of the POLG protein (p.Leu130Phe). This variant is present in population databases (rs201261842, gnomAD 0.003%). This variant has not been reported in the literature in individuals affected with POLG-related conditions. ClinVar contains an entry for this variant (Variation ID: 582802). Invitae Evidence Modeling of protein sequence and biophysical properties (such as structural, functional, and spatial information, amino acid conservation, physicochemical variation, residue mobility, and thermodynamic stability) indicates that this missense variant is expected to disrupt POLG protein function with a positive predictive value of 95%. In summary, the available evidence is currently insufficient to determine the role of this variant in disease. Therefore, it has been classified as a Variant of Uncertain Significance.

Athena Diagnostics
Classification: Uncertain significance. Last evaluated: 2018-06-13. Review status: criteria provided, single submitter. Criteria: Athena Diagnostics Criteria. Collection method: clinical testing. Allele origin: germline.

PreventionGenetics, part of Exact Sciences
Classification: Uncertain significance for POLG-related condition. Last evaluated: 2024-01-18. Review status: no assertion criteria provided. Collection method: clinical testing. Allele origin: germline. Not counted in ClinVar's aggregate classification.
Comment: The POLG c.388C>T variant is predicted to result in the amino acid substitution p.Leu130Phe. To our knowledge, this variant has not been reported in the literature. This variant is reported in 0.0032% of alleles in individuals of European (Non-Finnish) descent in gnomAD. At this time, the clinical significance of this variant is uncertain due to the absence of conclusive functional and genetic evidence.

NM_002693.3(POLG):c.388C>T (p.Leu130Phe)

Genes: POLGARF (POLG alternative reading frame; minus strand), POLG (DNA polymerase gamma, catalytic subunit; minus strand). Cytogenetic location: 15q26.1.
Variant type: single nucleotide variant.
Coding change: c.388C>T on transcript NM_002693.3 (MANE Select); coding-DNA position 388, C replaced by T.
Protein change: p.Leu130Phe; replaces leucine 130 with phenylalanine.
Molecular consequence: missense variant.
Genome position (GRCh38, 1-based): chr15:89,333,367, G>A on the plus strand (C>T on the coding strand, the complement: POLG is on the minus strand). VCF-style: chr15-89333367-G-A. GRCh37 (hg19) VCF-style: chr15-89876598-G-A.
Other names: c.388C>T, p.Leu130Phe (NM_001126131.2); short protein forms L130F.
Identifiers: ClinVar variation 582802 (VCV000582802.11), dbSNP rs201261842, ClinGen allele CA274565998.